The following is an entry in ClinVar:

NM_000531.6(OTC):c.1022T>C (p.Leu341Pro)

Gene: OTC (ornithine transcarbamylase; plus strand). Cytogenetic location: Xp11.4.
Variant type: single nucleotide variant.
Coding change: c.1022T>C on transcript NM_000531.6 (MANE Select); coding-DNA position 1022, T replaced by C.
Protein change: p.Leu341Pro; replaces leucine 341 with proline.
Molecular consequence: missense variant.
Genome position (GRCh38, 1-based): chrX:38,421,039, T>C. VCF-style: chrX-38421039-T-C. GRCh37 (hg19) VCF-style: chrX-38280292-T-C.
Other names: short protein forms L341P.
Identifiers: ClinVar variation 97098 (VCV000097098.2), dbSNP rs72558490, ClinGen allele CA224440.
Genomic context (GRCh38, chrX:38,421,039, plus strand): 5'-CGCTAATGTTTATCCATTTCTTTCTTTCTTTGTTGTGTCATCAGGCTGTCATGGTGTCCC[T>C]GCTGACAGATTACTCACCTCAGCTCCAGAAGCCTAAATTTTGATGTTGTGTTACTTGTCA-3'
Protein context (NP_000522.3, residues 331-351): KWTIMAVMVS[Leu341Pro]LTDYSPQLQK

ClinVar aggregate classification (germline): Pathogenic (0 of 4 stars; one submission).

Submission:

GenMed Metabolism Lab
Classification: Pathogenic. Review status: no assertion criteria provided. Collection method: not provided. Allele origin: unknown.
ClinVar note: Converted during submission from pathogenic to Pathogenic.